The following is an entry in ClinVar:

NM_006180.6(NTRK2):c.1541C>T (p.Pro514Leu)

Gene: NTRK2 (neurotrophic receptor tyrosine kinase 2; plus strand). Cytogenetic location: 9q21.33.
Variant type: single nucleotide variant.
Coding change: c.1541C>T on transcript NM_006180.6 (MANE Select); coding-DNA position 1541, C replaced by T.
Protein change: p.Pro514Leu; replaces proline 514 with leucine.
Molecular consequence: missense variant.
Genome position (GRCh38, 1-based): chr9:84,867,339, C>T. VCF-style: chr9-84867339-C-T. GRCh37 (hg19) VCF-style: chr9-87482254-C-T.
Other names: c.1493C>T, p.Pro498Leu (NM_001018064.3, NM_001018066.3, NM_001369532.1 and 2 more transcripts); c.1541C>T, p.Pro514Leu (NM_001018065.2, NM_001369537.1); c.1457C>T, p.Pro486Leu (NM_001369534.1); c.1025C>T, p.Pro342Leu (NM_001369535.1); c.1073C>T, p.Pro358Leu (NM_001369536.1); short protein forms P486L, P514L, P342L, P358L, P498L.
Identifiers: ClinVar variation 1438176 (VCV001438176.6), dbSNP rs199554482, ClinGen allele CA195792435.

ClinVar aggregate classification (germline): Uncertain significance (1 of 4 stars; one submission).

Allele frequency attached by ClinVar (database versions not stated): gnomAD exomes below 0.00001.
gnomAD v4.1: 2 of 1,614,000 alleles (0.00012%); highest among the groups gnomAD compares: Non-Finnish European, 0.00017%; no homozygotes.

Submission:

Labcorp Genetics (formerly Invitae), Labcorp
Classification: Uncertain significance. Last evaluated: 2021-09-15. Review status: criteria provided, single submitter. Criteria: Invitae Variant Classification Sherloc (09022015). Collection method: clinical testing. Allele origin: germline.
Comment: In summary, the available evidence is currently insufficient to determine the role of this variant in disease. Therefore, it has been classified as a Variant of Uncertain Significance. Algorithms developed to predict the effect of missense changes on protein structure and function are either unavailable or do not agree on the potential impact of this missense change (SIFT: "Deleterious"; PolyPhen-2: "Probably Damaging"; Align-GVGD: "Class C0"). This variant has not been reported in the literature in individuals affected with NTRK2-related conditions. This variant is not present in population databases (ExAC no frequency). This sequence change replaces proline with leucine at codon 514 of the NTRK2 protein (p.Pro514Leu). The proline residue is moderately conserved and there is a moderate physicochemical difference between proline and leucine.